The following is an entry in ClinVar:

ClinVar aggregate classification (germline): Conflicting classifications of pathogenicity. Review status: criteria provided, conflicting classifications (1 of 4 stars). 2 submissions from 2 submitters: Uncertain significance (1); Likely benign (1). Last evaluated 2025-01-06.

Conditions:
Cardiovascular phenotype. Identifiers: MedGen CN230736.
Dilated cardiomyopathy 1AA (CMD1AA). Also called: CARDIOMYOPATHY, DILATED, 1AA, WITH OR WITHOUT LEFT VENTRICULAR NONCOMPACTION; CARDIOMYOPATHY, FAMILIAL HYPERTROPHIC, 23, WITH OR WITHOUT LEFT VENTRICULAR NONCOMPACTION; Cardiomyopathy, dilated, 1AA, with or without LVNC. Identifiers: Orphanet 154, MedGen C2677338, MONDO:0012808, OMIM 612158.
Primary familial hypertrophic cardiomyopathy (HCM). Identifiers: Orphanet 99739, MedGen C0949658, MeSH D024741, MONDO:0024573. Inheritance: Various modes of inheritance.

Submissions (2):

Labcorp Genetics (formerly Invitae), Labcorp
Classification: Likely benign for Primary familial hypertrophic cardiomyopathy; Dilated cardiomyopathy 1AA. Last evaluated: 2025-01-06. Review status: criteria provided, single submitter. Criteria: Invitae Variant Classification Sherloc (09022015). Collection method: clinical testing. Allele origin: germline.

Ambry Genetics
Classification: Uncertain significance for Cardiovascular phenotype. Last evaluated: 2022-09-21. Review status: criteria provided, single submitter. Criteria: Ambry Variant Classification Scheme 2023. Collection method: clinical testing. Allele origin: germline.
Comment: The c.1840-5G>A intronic variant results from a G to A substitution 5 nucleotides upstream from coding exon 16 in the ACTN2 gene. This nucleotide position is not well conserved in available vertebrate species. In silico splice site analysis predicts that this alteration will not have any significant effect on splicing. Since supporting evidence is limited at this time, the clinical significance of this alteration remains unclear.

NM_001103.4(ACTN2):c.1840-5G>A

Gene: ACTN2 (actinin alpha 2; plus strand). Cytogenetic location: 1q43.
Variant type: single nucleotide variant.
Coding change: c.1840-5G>A on transcript NM_001103.4 (MANE Select); 5 bases into the intron before coding-DNA position 1840, G replaced by A.
Molecular consequence: intron variant.
Genome position (GRCh38, 1-based): chr1:236,753,942, G>A. VCF-style: chr1-236753942-G-A. GRCh37 (hg19) VCF-style: chr1-236917242-G-A.
Other names: c.1216-5G>A (NM_001278344.2); c.1840-5G>A (NM_001278343.2).
Identifiers: ClinVar variation 1104862 (VCV001104862.11), dbSNP rs2102942477, ClinGen allele CA2499214568.
Genomic context (GRCh38, chr1:236,753,942, plus strand): 5'-TTCTGTGGTTGTTCCTATGAGACCACAGCTGGCCTCTAACCCTTGTTGTCCTTGGGCCCT[G>A]ACAGGTGAAGCAACTCGTGCCCATCCGCGATCAATCCCTGCAGGAGGAGCTGGCTCGCCA-3'